The following is an entry in ClinVar:

ClinVar aggregate classification (germline): Uncertain significance. Review status: criteria provided, multiple submitters, no conflicts (2 of 4 stars). 2 submissions from 2 submitters: Uncertain significance (2). Last evaluated 2025-10-08.

Conditions:
Cohen syndrome (COH1). Also called: Cutis verticis gyrata, retinitis pigmentosa, and sensorineural deafness; PEPPER SYNDROME. Identifiers: Orphanet 193, MedGen C0265223, MONDO:0008999, OMIM 216550.
Inborn genetic diseases. Identifiers: MedGen C0950123, MeSH D030342.

Allele frequency attached by ClinVar (database versions not stated): gnomAD 0.00001.
gnomAD v4.1: 1 of 1,614,134 alleles (0.000062%); highest among the groups gnomAD compares: South Asian, 0.0011%; no homozygotes.

Submissions (2):

Ambry Genetics
Classification: Uncertain significance for Inborn genetic diseases. Last evaluated: 2025-10-08. Review status: criteria provided, single submitter. Criteria: Ambry Variant Classification Scheme 2023. Collection method: clinical testing. Allele origin: germline.

Labcorp Genetics (formerly Invitae), Labcorp
Classification: Uncertain significance for Cohen syndrome. Last evaluated: 2021-12-13. Review status: criteria provided, single submitter. Criteria: Invitae Variant Classification Sherloc (09022015). Collection method: clinical testing. Allele origin: germline.
Comment: This sequence change replaces histidine, which is basic and polar, with glutamine, which is neutral and polar, at codon 3465 of the VPS13B protein (p.His3465Gln). This variant is not present in population databases (gnomAD no frequency). This variant has not been reported in the literature in individuals affected with VPS13B-related conditions. Algorithms developed to predict the effect of missense changes on protein structure and function are either unavailable or do not agree on the potential impact of this missense change (SIFT: "Not Available"; PolyPhen-2: "Benign"; Align-GVGD: "Not Available"). Algorithms developed to predict the effect of sequence changes on RNA splicing suggest that this variant may create or strengthen a splice site. In summary, the available evidence is currently insufficient to determine the role of this variant in disease. Therefore, it has been classified as a Variant of Uncertain Significance.

NM_152564.5(VPS13B):c.10320C>G (p.His3440Gln)

Gene: VPS13B (vacuolar protein sorting 13 homolog B; plus strand). Cytogenetic location: 8q22.2.
Variant type: single nucleotide variant.
Coding change: c.10320C>G on transcript NM_152564.5 (MANE Select); coding-DNA position 10320, C replaced by G.
Protein change: p.His3440Gln; replaces histidine 3440 with glutamine.
Molecular consequence: missense variant.
Genome position (GRCh38, 1-based): chr8:99,853,709, C>G. VCF-style: chr8-99853709-C-G. GRCh37 (hg19) VCF-style: chr8-100865937-C-G.
Other names: c.10395C>G (NM_017890.3); c.10395C>G, p.His3465Gln (NM_017890.5); short protein forms H3440Q, H3465Q.
Identifiers: ClinVar variation 1426191 (VCV001426191.7), dbSNP rs747699484, ClinGen allele CA371781546.